The following is an entry in ClinVar:

NM_000540.3(RYR1):c.7021G>A (p.Val2341Ile)

Gene: RYR1 (ryanodine receptor 1; plus strand). Cytogenetic location: 19q13.2.
Variant type: single nucleotide variant.
Coding change: c.7021G>A on transcript NM_000540.3 (MANE Select); coding-DNA position 7021, G replaced by A.
Protein change: p.Val2341Ile; replaces valine 2341 with isoleucine.
Molecular consequence: missense variant.
Genome position (GRCh38, 1-based): chr19:38,499,237, G>A. VCF-style: chr19-38499237-G-A. GRCh37 (hg19) VCF-style: chr19-38989877-G-A.
Other names: c.7021G>A, p.Val2341Ile (NM_001042723.2); short protein forms V2341I.
Identifiers: ClinVar variation 1004179 (VCV001004179.10), dbSNP rs767615522, ClinGen allele CA068972.

ClinVar aggregate classification (germline): Uncertain significance. Review status: criteria provided, multiple submitters, no conflicts (2 of 4 stars). 4 submissions from 4 submitters: Uncertain significance (4). Last evaluated 2025-10-14.

Conditions:
RYR1-related disorder. Also called: RYR1-related disorders; RYR1-related condition. Identifiers: MedGen CN239331.
Malignant hyperthermia, susceptibility to, 1 (MHS1). Also called: RYR1-Related Malignant Hyperthermia Susceptibility; Anesthesia related hyperthermia; Malignant hyperpyrexia; Fulminating hyperpyrexia; Pharmacogenic myopathy; Malignant hyperthermia suceptibility 1. Identifiers: Orphanet 423, MedGen C2930980, MONDO:0007783, OMIM 145600.

Allele frequency attached by ClinVar (database versions not stated): gnomAD 0.00001; TOPMed 0.00001; gnomAD exomes 0.00004; ExAC 0.00005.
gnomAD v4.1: 29 of 1,614,062 alleles (0.0018%); highest among the groups gnomAD compares: Admixed American, 0.018%; no homozygotes.

Submissions (4):

Color Diagnostics, LLC DBA Color Health
Classification: Uncertain significance for Malignant hyperthermia, susceptibility to, 1. Last evaluated: 2025-10-14. Review status: criteria provided, single submitter. Criteria: ACMG Guidelines, 2015. Collection method: clinical testing. Allele origin: germline.
Comment: This missense variant replaces valine with isoleucine at codon 2341 of the RYR1 protein. Computational prediction suggests that this variant may not impact protein structure and function. To our knowledge, functional studies have not been reported for this variant. This variant has not been reported in individuals affected with RYR1-related disorders in the literature. This variant has been identified in 11/282776 chromosomes in the general population by the Genome Aggregation Database (gnomAD). The available evidence is insufficient to determine the role of this variant in disease conclusively. Therefore, this variant is classified as a Variant of Uncertain Significance.

All of Us Research Program, National Institutes of Health
Classification: Uncertain significance for Malignant hyperthermia, susceptibility to, 1. Last evaluated: 2024-09-23. Review status: criteria provided, single submitter. Criteria: ACMG Guidelines, 2015. Collection method: clinical testing. Allele origin: germline. Inheritance: Autosomal dominant inheritance. Observed: 7 variant alleles, 7 heterozygotes.
Comment: This missense variant replaces valine with isoleucine at codon 2341 of the RYR1 protein. Computational prediction suggests that this variant may not impact protein structure and function (internally defined REVEL score threshold <= 0.5, PMID: 27666373). To our knowledge, functional studies have not been reported for this variant. This variant has not been reported in individuals affected with RYR1-related disorders in the literature. This variant has been identified in 11/282776 chromosomes in the general population by the Genome Aggregation Database (gnomAD). The available evidence is insufficient to determine the role of this variant in disease conclusively. Therefore, this variant is classified as a Variant of Uncertain Significance.

This study involves interpretation of variants in research participants for the purpose of population health screening. Participant phenotype was not available at the time of variant classification. Additional details can be found in publication PMID: 35346344, PMCID: PMC8962531

Labcorp Genetics (formerly Invitae), Labcorp
Classification: Uncertain significance for RYR1-related disorder. Last evaluated: 2021-08-27. Review status: criteria provided, single submitter. Criteria: Invitae Variant Classification Sherloc (09022015). Collection method: clinical testing. Allele origin: germline.
Comment: This sequence change replaces valine with isoleucine at codon 2341 of the RYR1 protein (p.Val2341Ile). The valine residue is highly conserved and there is a small physicochemical difference between valine and isoleucine. This variant is present in population databases (rs767615522, ExAC 0.04%). This variant has not been reported in the literature in individuals affected with RYR1-related conditions. Algorithms developed to predict the effect of missense changes on protein structure and function are either unavailable or do not agree on the potential impact of this missense change (SIFT: "Deleterious"; PolyPhen-2: "Benign"; Align-GVGD: "Class C0"). In summary, the available evidence is currently insufficient to determine the role of this variant in disease. Therefore, it has been classified as a Variant of Uncertain Significance.

GeneDx
Classification: Uncertain significance. Last evaluated: 2020-07-31. Review status: criteria provided, single submitter. Criteria: GeneDx Variant Classification Process June 2021. Collection method: clinical testing. Allele origin: germline. Affected: yes.
Comment: In silico analysis supports that this missense variant does not alter protein structure/function; Has not been previously published as pathogenic or benign to our knowledge